The following is an entry in ClinVar:

NM_001367721.1(CASK):c.1189C>T (p.Gln397Ter)

Gene: CASK (calcium/calmodulin dependent serine protein kinase; minus strand). Cytogenetic location: Xp11.4.
Variant type: single nucleotide variant.
Coding change: c.1189C>T on transcript NM_001367721.1 (MANE Select); coding-DNA position 1189, C replaced by T.
Protein change: p.Gln397Ter; replaces glutamine 397 with a stop codon.
Molecular consequence: nonsense.
Genome position (GRCh38, 1-based): chrX:41,589,559, G>A on the plus strand (C>T on the coding strand, the complement: CASK is on the minus strand). VCF-style: chrX-41589559-G-A. GRCh37 (hg19) VCF-style: chrX-41448812-G-A.
Other names: c.1189C>T, p.Gln397Ter (NM_001126054.3, NM_003688.4); c.1171C>T, p.Gln391Ter (NM_001126055.3, NM_001410745.1); short protein forms Q391*, Q397*.
Identifiers: ClinVar variation 2697063 (VCV002697063.3), dbSNP rs2519853547, ClinGen allele CA412999435.
Genomic context (GRCh38, chrX:41,589,559, plus strand): 5'-AAAATATATCACTTACCTCTTTGGCTCTCTGTACTGCATCGCTTGGAGGATTCCTGATTT[G>A]TGGTGAAGACTTTGTGTTAATTTTGTCATACAGCTAAAAAGCAAAGAAGAAAATCCAGTA-3'

ClinVar aggregate classification (germline): Pathogenic (1 of 4 stars; one submission).

Conditions:
Intellectual disability, CASK-related, X-linked. Identifiers: MedGen CN043158.

Submission:

Labcorp Genetics (formerly Invitae), Labcorp
Classification: Pathogenic for Intellectual disability, CASK-related, X-linked. Last evaluated: 2023-11-18. Review status: criteria provided, single submitter. Criteria: Invitae Variant Classification Sherloc (09022015). Collection method: clinical testing. Allele origin: germline.
Comment: This sequence change creates a premature translational stop signal (p.Gln397*) in the CASK gene. It is expected to result in an absent or disrupted protein product. Loss-of-function variants in CASK are known to be pathogenic (PMID: 19165920, 20029458, 21954287, 22452838, 22709267). This variant is not present in population databases (gnomAD no frequency). This variant has not been reported in the literature in individuals affected with CASK-related conditions. For these reasons, this variant has been classified as Pathogenic.

Literature cited by the submitters: PubMed 19165920; PubMed 20029458; PubMed 21954287; PubMed 22452838; PubMed 22709267.